The following is an entry in ClinVar:

ClinVar aggregate classification (germline): Uncertain significance. Review status: criteria provided, multiple submitters, no conflicts (2 of 4 stars). 2 submissions from 2 submitters: Uncertain significance (2). Last evaluated 2022-04-22.

Conditions:
Inborn genetic diseases. Identifiers: MedGen C0950123, MeSH D030342.
Cohen syndrome (COH1). Also called: PEPPER SYNDROME; Cutis verticis gyrata, retinitis pigmentosa, and sensorineural deafness. Identifiers: Orphanet 193, MedGen C0265223, MONDO:0008999, OMIM 216550.

gnomAD v4.1: 24 of 1,613,956 alleles (0.0015%); highest among the groups gnomAD compares: East Asian, 0.025%; no homozygotes.

Submissions (2):

Ambry Genetics
Classification: Uncertain significance for Inborn genetic diseases. Last evaluated: 2022-04-22. Review status: criteria provided, single submitter. Criteria: Ambry Variant Classification Scheme 2023. Collection method: clinical testing. Allele origin: germline.

Labcorp Genetics (formerly Invitae), Labcorp
Classification: Uncertain significance for Cohen syndrome. Last evaluated: 2022-02-04. Review status: criteria provided, single submitter. Criteria: Invitae Variant Classification Sherloc (09022015). Collection method: clinical testing. Allele origin: germline.
Comment: This sequence change replaces tyrosine, which is neutral and polar, with cysteine, which is neutral and slightly polar, at codon 3679 of the VPS13B protein (p.Tyr3679Cys). This variant is present in population databases (rs774678400, gnomAD 0.05%). This variant has not been reported in the literature in individuals affected with VPS13B-related conditions. Algorithms developed to predict the effect of missense changes on protein structure and function are either unavailable or do not agree on the potential impact of this missense change (SIFT: "Not Available"; PolyPhen-2: "Possibly Damaging"; Align-GVGD: "Not Available"). Algorithms developed to predict the effect of sequence changes on RNA splicing suggest that this variant may create or strengthen a splice site. In summary, the available evidence is currently insufficient to determine the role of this variant in disease. Therefore, it has been classified as a Variant of Uncertain Significance.

NM_152564.5(VPS13B):c.10961A>G (p.Tyr3654Cys)

Gene: VPS13B (vacuolar protein sorting 13 homolog B; plus strand). Cytogenetic location: 8q22.2.
Variant type: single nucleotide variant.
Coding change: c.10961A>G on transcript NM_152564.5 (MANE Select); coding-DNA position 10961, A replaced by G.
Protein change: p.Tyr3654Cys; replaces tyrosine 3654 with cysteine.
Molecular consequence: missense variant.
Genome position (GRCh38, 1-based): chr8:99,859,397, A>G. VCF-style: chr8-99859397-A-G. GRCh37 (hg19) VCF-style: chr8-100871625-A-G.
Other names: c.11036A>G (NM_017890.3); c.11036A>G, p.Tyr3679Cys (NM_017890.5); short protein forms Y3679C, Y3654C.
Identifiers: ClinVar variation 2150196 (VCV002150196.2), dbSNP rs774678400, ClinGen allele CA4825079.
Genomic context (GRCh38, chr8:99,859,397, plus strand): 5'-GCCCTGCAAGCCTGGTGAGAAGCATCGGGAACGGGGTCGCCGACTTCTTCAGGCTTCCGT[A>G]TGAGGGGCTGACCCGGGGCCCTGGAGCCTTCGTGAGTGGCGTCTCCAGAGGGACCACATC-3'
Protein context (NP_689777.3, residues 3644-3664): NGVADFFRLP[Tyr3654Cys]EGLTRGPGAF